The following is an entry in ClinVar:

ClinVar aggregate classification (germline): Uncertain significance (1 of 4 stars; one submission).

Conditions:
Cardiovascular phenotype. Identifiers: MedGen CN230736.

gnomAD v4.1: 2 of 1,575,838 alleles (0.00013%); highest among the groups gnomAD compares: Non-Finnish European, 0.00017%; no homozygotes.

Submission:

Ambry Genetics
Classification: Uncertain significance for Cardiovascular phenotype. Last evaluated: 2024-02-09. Review status: criteria provided, single submitter. Criteria: Ambry Variant Classification Scheme 2023. Collection method: clinical testing. Allele origin: germline.
Comment: The p.P1056A variant (also known as c.3166C>G), located in coding exon 7 of the TNXB gene, results from a C to G substitution at nucleotide position 3166. The proline at codon 1056 is replaced by alanine, an amino acid with highly similar properties. This amino acid position is conserved. In addition, this alteration is predicted to be tolerated by in silico analysis. Based on the available evidence, the clinical significance of this alteration remains unclear.

NM_001365276.2(TNXB):c.3166C>G (p.Pro1056Ala)

Gene: TNXB (tenascin XB; minus strand). Cytogenetic location: 6p21.33.
Variant type: single nucleotide variant.
Coding change: c.3166C>G on transcript NM_001365276.2 (MANE Select); coding-DNA position 3166, C replaced by G.
Protein change: p.Pro1056Ala; replaces proline 1056 with alanine.
Molecular consequence: missense variant.
Genome position (GRCh38, 1-based): chr6:32,084,692, G>C on the plus strand (C>G on the coding strand, the complement: TNXB is on the minus strand). VCF-style: chr6-32084692-G-C. GRCh37 (hg19) VCF-style: chr6-32052469-G-C.
Other names: c.3907C>G, p.Pro1303Ala (NM_001428335.1); c.3166C>G, p.Pro1056Ala (NM_019105.8); short protein forms P1056A, P1303A.
Identifiers: ClinVar variation 3227265 (VCV003227265.1), dbSNP rs770570743, ClinGen allele CA363444837.
Genomic context (GRCh38, chr6:32,084,692, plus strand): 5'-CGGAGGTCCTGTCTGTCACCGTCAGCTCACCCAGGCGTGGTGGGCCTGAGGACTTCCCAG[G>C]CTTCTCCTCATCCTTGTCTGGAGTTTGAGAGGCAAAAGCAAAGCATAGTGGACTCAACCG-3'
Protein context (NP_001352205.1, residues 1046-1066): QGIMDKDEEK[Pro1056Ala]GKSSGPPRLG